The following is an entry in ClinVar:

ClinVar aggregate classification (germline): Uncertain significance (1 of 4 stars; one submission).

Conditions:
Inborn genetic diseases. Identifiers: MedGen C0950123, MeSH D030342.

Allele frequency attached by ClinVar (database versions not stated): gnomAD 0.00001.
gnomAD v4.1: 3 of 1,612,424 alleles (0.00019%); highest among the groups gnomAD compares: South Asian, 0.0022%; no homozygotes.

Submission:

Ambry Genetics
Classification: Uncertain significance for Inborn genetic diseases. Last evaluated: 2023-04-12. Review status: criteria provided, single submitter. Criteria: Ambry Variant Classification Scheme 2023. Collection method: clinical testing. Allele origin: germline.
Comment: The c.3719+5G>A intronic alteration consists of a G to A substitution nucleotides after coding exon 28 in the SPTAN1 gene. Based on insufficient or conflicting evidence, the clinical significance of this alteration remains unclear.

NM_001130438.3(SPTAN1):c.3719+5G>A

Gene: SPTAN1 (spectrin alpha, non-erythrocytic 1; plus strand). Cytogenetic location: 9q34.11.
Variant type: single nucleotide variant.
Coding change: c.3719+5G>A on transcript NM_001130438.3 (MANE Select); 5 bases into the intron after coding-DNA position 3719, G replaced by A.
Molecular consequence: intron variant.
Genome position (GRCh38, 1-based): chr9:128,604,422, G>A. VCF-style: chr9-128604422-G-A. GRCh37 (hg19) VCF-style: chr9-131366701-G-A.
Other names: c.3755+5G>A (NM_001375318.1, NM_001375312.2); c.3719+5G>A (NM_001375311.2, NM_001375310.1, NM_001363759.2 and 2 more transcripts); c.3659+5G>A (NM_001375314.2, NM_001363765.2, NM_001195532.2).
Identifiers: ClinVar variation 2527484 (VCV002527484.2), dbSNP rs761359644, ClinGen allele CA590636896.
Genomic context (GRCh38, chr9:128,604,422, plus strand): 5'-GCCGAGGAACGGAGCCAGCTCTTGGGCAGCGCCCATGAAGTACAGAGGTTCCACAGGTGA[G>A]GGGTCAGCCCTGGGCTGGGAGAGGGAGAAACAGGTGACTGCTGGTTTCCTGACAGCCCCC-3'